The following is an entry in ClinVar:

NM_152594.3(SPRED1):c.1125G>A (p.Met375Ile)

Gene: SPRED1 (sprouty related EVH1 domain containing 1; plus strand). Cytogenetic location: 15q14.
Variant type: single nucleotide variant.
Coding change: c.1125G>A on transcript NM_152594.3 (MANE Select); coding-DNA position 1125, G replaced by A.
Protein change: p.Met375Ile; replaces methionine 375 with isoleucine.
Molecular consequence: missense variant.
Genome position (GRCh38, 1-based): chr15:38,351,454, G>A. VCF-style: chr15-38351454-G-A. GRCh37 (hg19) VCF-style: chr15-38643655-G-A.
Other names: c.1125G>A (NM_152594.2); short protein forms M375I.
Identifiers: ClinVar variation 2088463 (VCV002088463.5), dbSNP rs1595763915, ClinGen allele CA391934227.

ClinVar aggregate classification (germline): Uncertain significance. Review status: criteria provided, multiple submitters, no conflicts (2 of 4 stars). 2 submissions from 2 submitters: Uncertain significance (2). Last evaluated 2025-05-05.

Conditions:
Cardiovascular phenotype. Identifiers: MedGen CN230736.
Legius syndrome. Identifiers: Orphanet 137605, MedGen C1969623, MONDO:0012669, OMIM 611431. Disease mechanism: loss of function.

Submissions (2):

Ambry Genetics
Classification: Uncertain significance for Cardiovascular phenotype. Last evaluated: 2025-05-05. Review status: criteria provided, single submitter. Criteria: Ambry Variant Classification Scheme 2023. Collection method: clinical testing. Allele origin: germline.
Comment: The p.M375I variant (also known as c.1125G>A), located in coding exon 7 of the SPRED1 gene, results from a G to A substitution at nucleotide position 1125. The methionine at codon 375 is replaced by isoleucine, an amino acid with highly similar properties. This amino acid position is conserved. In addition, the in silico prediction for this alteration is inconclusive. Based on the available evidence, the clinical significance of this variant remains unclear.

Labcorp Genetics (formerly Invitae), Labcorp
Classification: Uncertain significance for Legius syndrome. Last evaluated: 2023-07-17. Review status: criteria provided, single submitter. Criteria: Invitae Variant Classification Sherloc (09022015). Collection method: clinical testing. Allele origin: germline.
Comment: ClinVar contains an entry for this variant (Variation ID: 2088463). This variant has not been reported in the literature in individuals affected with SPRED1-related conditions. This variant is not present in population databases (gnomAD no frequency). This sequence change replaces methionine, which is neutral and non-polar, with isoleucine, which is neutral and non-polar, at codon 375 of the SPRED1 protein (p.Met375Ile). In summary, the available evidence is currently insufficient to determine the role of this variant in disease. Therefore, it has been classified as a Variant of Uncertain Significance. Advanced modeling of protein sequence and biophysical properties (such as structural, functional, and spatial information, amino acid conservation, physicochemical variation, residue mobility, and thermodynamic stability) has been performed at Invitae for this missense variant, however the output from this modeling did not meet the statistical confidence thresholds required to predict the impact of this variant on SPRED1 protein function.